The following is an entry in ClinVar:

ClinVar aggregate classification (germline): Uncertain significance (1 of 4 stars; one submission).

Allele frequency attached by ClinVar (database versions not stated): gnomAD exomes below 0.00001; TOPMed below 0.00001; gnomAD 0.00001; 1000 Genomes Project 30x 0.00016; 1000 Genomes Project 0.00020.
gnomAD v4.1: 2 of 1,614,072 alleles (0.00012%); highest among the groups gnomAD compares: East Asian, 0.0022%; no homozygotes.

Submission:

Labcorp Genetics (formerly Invitae), Labcorp
Classification: Uncertain significance. Last evaluated: 2024-12-02. Review status: criteria provided, single submitter. Criteria: Invitae Variant Classification Sherloc (09022015). Collection method: clinical testing. Allele origin: germline.
Comment: This sequence change replaces tyrosine, which is neutral and polar, with histidine, which is basic and polar, at codon 589 of the SEMA4A protein (p.Tyr589His). This variant is not present in population databases (gnomAD no frequency). This variant has not been reported in the literature in individuals affected with SEMA4A-related conditions. ClinVar contains an entry for this variant (Variation ID: 1418371). Invitae Evidence Modeling of protein sequence and biophysical properties (such as structural, functional, and spatial information, amino acid conservation, physicochemical variation, residue mobility, and thermodynamic stability) indicates that this missense variant is not expected to disrupt SEMA4A protein function with a negative predictive value of 80%. In summary, the available evidence is currently insufficient to determine the role of this variant in disease. Therefore, it has been classified as a Variant of Uncertain Significance.

NM_022367.4(SEMA4A):c.1765T>C (p.Tyr589His)

Gene: SEMA4A (semaphorin 4A; plus strand). Cytogenetic location: 1q22.
Variant type: single nucleotide variant.
Coding change: c.1765T>C on transcript NM_022367.4 (MANE Select); coding-DNA position 1765, T replaced by C.
Protein change: p.Tyr589His; replaces tyrosine 589 with histidine.
Molecular consequence: missense variant.
Genome position (GRCh38, 1-based): chr1:156,176,476, T>C. VCF-style: chr1-156176476-T-C. GRCh37 (hg19) VCF-style: chr1-156146267-T-C.
Other names: c.1765T>C, p.Tyr589His (NM_001193300.2, NM_001193301.2, NM_001370567.1); c.1369T>C, p.Tyr457His (NM_001193302.2); c.1468T>C, p.Tyr490His (NM_001370568.1); c.1258T>C, p.Tyr420His (NM_001370569.1, NM_001370571.1); short protein forms Y457H, Y490H, Y589H, Y420H.
Identifiers: ClinVar variation 1418371 (VCV001418371.8), dbSNP rs534838864, ClinGen allele CA31004248.